The following is an entry in ClinVar:

ClinVar aggregate classification (germline): Uncertain significance (1 of 4 stars; one submission).

Conditions:
Norman-Roberts syndrome (LIS2). Also called: Lissencephaly 2 (Norman-Roberts type). Identifiers: Orphanet 89844, MedGen C0796089, MONDO:0009760, OMIM 257320.
Familial temporal lobe epilepsy 7. Identifiers: Orphanet 101046, MedGen C4225327, MONDO:0014639, OMIM 616436.

Submission:

Labcorp Genetics (formerly Invitae), Labcorp
Classification: Uncertain significance for Familial temporal lobe epilepsy 7; Norman-Roberts syndrome. Last evaluated: 2024-02-06. Review status: criteria provided, single submitter. Criteria: Invitae Variant Classification Sherloc (09022015). Collection method: clinical testing. Allele origin: germline.
Comment: This sequence change replaces leucine, which is neutral and non-polar, with valine, which is neutral and non-polar, at codon 876 of the RELN protein (p.Leu876Val). This variant is not present in population databases (gnomAD no frequency). This variant has not been reported in the literature in individuals affected with RELN-related conditions. Advanced modeling of protein sequence and biophysical properties (such as structural, functional, and spatial information, amino acid conservation, physicochemical variation, residue mobility, and thermodynamic stability) performed at Invitae indicates that this missense variant is not expected to disrupt RELN protein function with a negative predictive value of 80%. In summary, the available evidence is currently insufficient to determine the role of this variant in disease. Therefore, it has been classified as a Variant of Uncertain Significance.

NM_005045.4(RELN):c.2626C>G (p.Leu876Val)

Gene: RELN (reelin; minus strand). Cytogenetic location: 7q22.1.
Variant type: single nucleotide variant.
Coding change: c.2626C>G on transcript NM_005045.4 (MANE Select); coding-DNA position 2626, C replaced by G.
Protein change: p.Leu876Val; replaces leucine 876 with valine.
Molecular consequence: missense variant.
Genome position (GRCh38, 1-based): chr7:103,630,016, G>C on the plus strand (C>G on the coding strand, the complement: RELN is on the minus strand). VCF-style: chr7-103630016-G-C. GRCh37 (hg19) VCF-style: chr7-103270463-G-C.
Other names: c.2626C>G, p.Leu876Val (NM_173054.3); short protein forms L876V.
Identifiers: ClinVar variation 3754460 (VCV003754460.2).